The following is an entry in ClinVar:

ClinVar aggregate classification (germline): Likely pathogenic (1 of 4 stars; one submission).

Conditions:
GMPPB-related disorder. Also called: GMPPB-related condition; GMPPB-related disorders.

gnomAD v4.1: 1 of 1,613,694 alleles (0.000062%); highest among the groups gnomAD compares: Admixed American, 0.0017%; no homozygotes.

Submission:

PreventionGenetics, part of Exact Sciences
Classification: Likely pathogenic for GMPPB-related condition. Last evaluated: 2025-07-01. Review status: criteria provided, single submitter. Criteria: ACMG Guidelines, 2015. Collection method: clinical testing. Allele origin: germline.
Comment: The GMPPB c.385C>T variant is predicted to result in premature protein termination (p.Gln129*). To our knowledge, this variant has not been reported in the literature. This variant is reported in 0.0058% of alleles in individuals of Latino descent in gnomAD. Nonsense variants in GMPPB are expected to be pathogenic. This variant is interpreted as likely pathogenic.

NM_021971.4(GMPPB):c.385C>T (p.Gln129Ter)

Gene: GMPPB (GDP-mannose pyrophosphorylase B; minus strand). Cytogenetic location: 3p21.31.
Variant type: single nucleotide variant.
Coding change: c.385C>T on transcript NM_021971.4 (MANE Select); coding-DNA position 385, C replaced by T.
Protein change: p.Gln129Ter; replaces glutamine 129 with a stop codon.
Molecular consequence: nonsense.
Genome position (GRCh38, 1-based): chr3:49,722,989, G>A on the plus strand (C>T on the coding strand, the complement: GMPPB is on the minus strand). VCF-style: chr3-49722989-G-A. GRCh37 (hg19) VCF-style: chr3-49760422-G-A.
Other names: c.385C>T, p.Gln129Ter (NM_013334.4); short protein forms Q129*.
Identifiers: ClinVar variation 4977887 (VCV004977887.1).